The following is an entry in ClinVar:

ClinVar aggregate classification (germline): Pathogenic (1 of 4 stars; one submission).

Submission:

GeneDx
Classification: Pathogenic. Last evaluated: 2017-03-10. Review status: criteria provided, single submitter. Criteria: GeneDx Variant Classification (06012015). Collection method: clinical testing. Allele origin: germline. Affected: yes.
Comment: The c.1275dupC variant in the RUNX2 gene has not been reported previously as a pathogenic variant nor as a benign variant, to our knowledge. The c.1275dupC variant causes a frameshift starting with codon Tyrosine 426, changes this amino acid to a Leucine residue, and creates a premature Stop codon at position 64 of the new reading frame, denoted p.Tyr426LeufsX64. This variant is predicted to cause loss of normal protein function through protein truncation. The c.1275dupC variant is not observed in large population cohorts (Lek et al., 2016; 1000 Genomes Consortium et al., 2015; Exome Variant Server). We interpret c.1275dupC as a pathogenic variant.

NM_001024630.4(RUNX2):c.1275dup (p.Tyr426fs)

Gene: RUNX2 (RUNX family transcription factor 2; plus strand). Cytogenetic location: 6p21.1.
Variant type: Duplication.
Coding change: c.1275dup on transcript NM_001024630.4 (MANE Select); coding-DNA position 1275, one base duplicated (C; older notation c.1275dupC).
Protein change: p.Tyr426fs; shifts the reading frame from tyrosine 426.
Molecular consequence: frameshift variant.
Genome position (GRCh38, 1-based): chr6:45,547,014, C duplicated; the last of 3 consecutive C bases (chr6:45,547,012-45,547,014); duplicating any one gives the same sequence. VCF-style (leftmost placement, unchanged base first): chr6-45547011-A-AC. GRCh37 (hg19) VCF-style: chr6-45514748-A-AC.
Other names: c.1209dup, p.Tyr404fs (NM_001015051.4); c.1167dup, p.Tyr390fs (NM_001278478.2); c.1233dup, p.Tyr412fs (NM_001369405.1); short protein forms Y390fs, Y404fs, Y426fs, Y412fs.
Identifiers: ClinVar variation 423643 (VCV000423643.2), dbSNP rs1554125882, ClinGen allele CA16618292.
Genomic context (GRCh38, chr6:45,547,011, plus strand): 5'-CACCTCAGGCATGTCCCTCGGTATGTCCGCCACCACTCACTACCACACCTACCTGCCACC[A>AC]CCCTACCCCGGCTCTTCCCAAAGCCAGAGTGGACCCTTCCAGACCAGCAGCACTCCATAT-3'